The following is an entry in ClinVar:

ClinVar aggregate classification (germline): Likely pathogenic (0 of 4 stars; one submission).

Conditions:
Duchenne muscular dystrophy (DMD). Also called: MUSCULAR DYSTROPHY, PSEUDOHYPERTROPHIC PROGRESSIVE, DUCHENNE TYPE; Duchenne Muscular Dystrophy (DMD). Identifiers: Orphanet 98896, MedGen C0013264, MONDO:0010679, OMIM 310200.

Submission:

Foundation for Research in Genetics and Endocrinology, FRIGE's Institute of Human Genetics
Classification: Likely pathogenic for Duchenne muscular dystrophy. Last evaluated: 2017-04-17. Review status: no assertion criteria provided. Collection method: clinical testing. Allele origin: germline. Inheritance: X-linked recessive inheritance. Affected: yes. Observed: 1 variant allele, 1 hemizygote.
Comment: The observed variant is not reported in 1000 genome and ExAC databases. The in silico prediction of the variant is damaging by MutationTaster2.

NM_004006.2(DMD):c.94_264dup

Gene: DMD (dystrophin; minus strand). Cytogenetic location: Xp21.2-21.1.
Variant type: Duplication.
Coding change: c.94_264dup on transcript NM_004006.2; coding-DNA positions 94 to 264, 171 bases duplicated.
Other names: c.94_264dup (LRG_199t1).
Identifiers: ClinVar variation 430829 (VCV000430829.2).